The following is an entry in ClinVar:

NM_003482.4(KMT2D):c.521A>G (p.His174Arg)

Gene: KMT2D (lysine methyltransferase 2D; minus strand). Cytogenetic location: 12q13.12.
Variant type: single nucleotide variant.
Coding change: c.521A>G on transcript NM_003482.4 (MANE Select); coding-DNA position 521, A replaced by G.
Protein change: p.His174Arg; replaces histidine 174 with arginine.
Molecular consequence: missense variant.
Genome position (GRCh38, 1-based): chr12:49,054,130, T>C on the plus strand (A>G on the coding strand, the complement: KMT2D is on the minus strand). VCF-style: chr12-49054130-T-C. GRCh37 (hg19) VCF-style: chr12-49447913-T-C.
Other names: short protein forms H174R.
Identifiers: ClinVar variation 2912573 (VCV002912573.5), dbSNP rs750829880, ClinGen allele CA6548708.

ClinVar aggregate classification (germline): Conflicting classifications of pathogenicity. Review status: criteria provided, conflicting classifications (1 of 4 stars). 3 submissions from 3 submitters: Uncertain significance (1); Likely benign (2). Last evaluated 2024-12-30.

Conditions:
Inborn genetic diseases. Identifiers: MedGen C0950123, MeSH D030342.
Kabuki syndrome. Also called: Kabuki make-up syndrome; NIIKAWA-KUROKI SYNDROME. Identifiers: Orphanet 2322, MedGen C0796004, MONDO:0016512.
KMT2D-related disorder. Also called: KMT2D-Related Disorders.

Allele frequency attached by ClinVar (database versions not stated): ExAC 0.00001; gnomAD exomes 0.00001; gnomAD 0.00003; TOPMed 0.00008.

Submissions (3):

PreventionGenetics, part of Exact Sciences
Classification: Uncertain significance for KMT2D-related condition. Last evaluated: 2024-12-30. Review status: criteria provided, single submitter. Criteria: ACMG Guidelines, 2015. Collection method: clinical testing. Allele origin: germline.
Comment: The KMT2D c.521A>G variant is predicted to result in the amino acid substitution p.His174Arg. To our knowledge, this variant has not been reported in the literature. This variant is reported in 0.0068% of alleles in individuals of African descent in gnomAD. At this time, the clinical significance of this variant is uncertain due to the absence of conclusive functional and genetic evidence.

Labcorp Genetics (formerly Invitae), Labcorp
Classification: Likely benign for Kabuki syndrome. Last evaluated: 2024-10-16. Review status: criteria provided, single submitter. Criteria: Invitae Variant Classification Sherloc (09022015). Collection method: clinical testing. Allele origin: germline.

Ambry Genetics
Classification: Likely benign for Inborn genetic diseases. Last evaluated: 2024-03-07. Review status: criteria provided, single submitter. Criteria: Ambry Variant Classification Scheme 2023. Collection method: clinical testing. Allele origin: germline.